The following is an entry in ClinVar:

NM_145045.5(ODAD3):c.662A>G (p.Gln221Arg)

Gene: ODAD3 (outer dynein arm docking complex subunit 3; minus strand). Cytogenetic location: 19p13.2.
Variant type: single nucleotide variant.
Coding change: c.662A>G on transcript NM_145045.5 (MANE Select); coding-DNA position 662, A replaced by G.
Protein change: p.Gln221Arg; replaces glutamine 221 with arginine.
Molecular consequence: missense variant. On other transcripts: intron variant (1).
Genome position (GRCh38, 1-based): chr19:11,426,735, T>C on the plus strand (A>G on the coding strand, the complement: ODAD3 is on the minus strand). VCF-style: chr19-11426735-T-C. GRCh37 (hg19) VCF-style: chr19-11537555-T-C.
Other names: c.500A>G, p.Gln167Arg (NM_001302453.1); c.534+138A>G (NM_001302454.2); short protein forms Q167R, Q221R.
Identifiers: ClinVar variation 1682780 (VCV001682780.5), dbSNP rs775771061, ClinGen allele CA9212319.

ClinVar aggregate classification (germline): Uncertain significance (1 of 4 stars; one submission).

Conditions:
Primary ciliary dyskinesia 30. Also called: CILIARY DYSKINESIA, PRIMARY, 30, WITH OR WITHOUT SITUS INVERSUS. Identifiers: Orphanet 244, MedGen C4015016, MONDO:0014465, OMIM 616037.

Allele frequency attached by ClinVar (database versions not stated): gnomAD 0.00001; TOPMed 0.00001; ExAC 0.00002; gnomAD exomes 0.00002.
gnomAD v4.1: 34 of 1,613,784 alleles (0.0021%); highest among the groups gnomAD compares: Non-Finnish European, 0.0027%; no homozygotes.

Submission:

Labcorp Genetics (formerly Invitae), Labcorp
Classification: Uncertain significance for Primary ciliary dyskinesia 30. Last evaluated: 2022-01-27. Review status: criteria provided, single submitter. Criteria: Invitae Variant Classification Sherloc (09022015). Collection method: clinical testing. Allele origin: germline.
Comment: This sequence change replaces glutamine, which is neutral and polar, with arginine, which is basic and polar, at codon 221 of the CCDC151 protein (p.Gln221Arg). This variant is present in population databases (rs775771061, gnomAD 0.006%). This variant has not been reported in the literature in individuals affected with CCDC151-related conditions. Algorithms developed to predict the effect of missense changes on protein structure and function (SIFT, PolyPhen-2, Align-GVGD) all suggest that this variant is likely to be tolerated. In summary, the available evidence is currently insufficient to determine the role of this variant in disease. Therefore, it has been classified as a Variant of Uncertain Significance.